The following is an entry in ClinVar:

NM_000336.3(SCNN1B):c.1725G>A (p.Pro575=)

Gene: SCNN1B (sodium channel epithelial 1 subunit beta; plus strand). Cytogenetic location: 16p12.2.
Variant type: single nucleotide variant.
Coding change: c.1725G>A on transcript NM_000336.3 (MANE Select); coding-DNA position 1725, G replaced by A.
Protein change: p.Pro575=; no amino-acid change (proline 575 retained).
Molecular consequence: synonymous variant.
Genome position (GRCh38, 1-based): chr16:23,380,603, G>A. VCF-style: chr16-23380603-G-A. GRCh37 (hg19) VCF-style: chr16-23391924-G-A.
Other names: c.1617G>A, p.Pro539= (NM_001410900.1).
Identifiers: ClinVar variation 3047963 (VCV003047963.3), dbSNP rs575122113, ClinGen allele CA7960622.

ClinVar aggregate classification (germline): Likely benign. Review status: criteria provided, single submitter (1 of 4 stars). 2 submissions from 2 submitters: Likely benign (1). 1 of the submissions does not count toward it. Last evaluated 2023-11-14.

Conditions:
SCNN1B-related disorder. Also called: SCNN1B-related condition.

Allele frequency attached by ClinVar (database versions not stated): gnomAD 0.00007; gnomAD exomes 0.00007; TOPMed 0.00010; ExAC 0.00012; 1000 Genomes Project 30x 0.00016; 1000 Genomes Project 0.00020.
gnomAD v4.1: 120 of 1,613,914 alleles (0.0074%); highest among the groups gnomAD compares: East Asian, 0.018%; no homozygotes.

Submissions (2):

Blueprint Genetics
Classification: Likely benign. Last evaluated: 2023-11-14. Review status: criteria provided, single submitter. Criteria: ACMG Guidelines, 2015. Collection method: clinical testing. Allele origin: germline.

PreventionGenetics, part of Exact Sciences
Classification: Likely benign for SCNN1B-related condition. Last evaluated: 2019-11-25. Review status: no assertion criteria provided. Collection method: clinical testing. Allele origin: germline. Not counted in ClinVar's aggregate classification.
Comment: This variant is classified as likely benign based on ACMG/AMP sequence variant interpretation guidelines (Richards et al. 2015 PMID: 25741868, with internal and published modifications).